The following is an entry in ClinVar:

ClinVar aggregate classification (germline): Pathogenic (1 of 4 stars; one submission).

Conditions:
CHARGE syndrome (CHARGE). Also called: Coloboma, heart anomaly, choanal atresia, retardation, genital and ear anomalies; CHARGE association; Hall-Hittner syndrome; CHARGE ASSOCIATION--COLOBOMA, HEART ANOMALY, CHOANAL ATRESIA, RETARDATION, GENITAL AND EAR ANOMALIES; Hittner Hirsch Kreh syndrome. Identifiers: Orphanet 138, MedGen C0265354, MONDO:0008965.

Submission:

Labcorp Genetics (formerly Invitae), Labcorp
Classification: Pathogenic for CHARGE syndrome. Last evaluated: 2015-04-30. Review status: criteria provided, single submitter. Criteria: Invitae Variant Classification Sherloc (09022015). Collection method: clinical testing. Allele origin: germline.
Comment: For these reasons, this variant has been classified as Pathogenic. While this particular variant has not been reported in the literature, truncating variants in CHD7 are known to be pathogenic (PMID: 22461308). This sequence change deletes 1 nucleotide from exon 15 of the CHD7 mRNA (c.3678delC), causing a frameshift at codon 1226. This creates a premature translational stop signal (p.Phe1226Leufs*17) and is expected to result in an absent or disrupted protein product.

Literature cited by the submitters: PubMed 22461308.

NM_017780.4(CHD7):c.3678del (p.Phe1226fs)

Gene: CHD7 (chromodomain helicase DNA binding protein 7; plus strand). Cytogenetic location: 8q12.2.
Variant type: Deletion.
Coding change: c.3678del on transcript NM_017780.4 (MANE Select); coding-DNA position 3678, one base deleted (C; older notation c.3678delC).
Protein change: p.Phe1226fs; shifts the reading frame from phenylalanine 1226.
Molecular consequence: frameshift variant. On other transcripts: intron variant (1).
Genome position (GRCh38, 1-based): chr8:60,830,477, C deleted. VCF-style (leftmost placement, unchanged base first): chr8-60830476-TC-T. GRCh37 (hg19) VCF-style: chr8-61743035-TC-T.
Other names: c.1717-31752del (NM_001316690.1); short protein forms F1226fs.
Identifiers: ClinVar variation 216116 (VCV000216116.8), dbSNP rs863224518, ClinGen allele CA336601.